The following is an entry in ClinVar:

ClinVar aggregate classification (germline): Likely pathogenic (1 of 4 stars; one submission).

Conditions:
Sulfite oxidase deficiency due to molybdenum cofactor deficiency type C. Also called: Molybdenum cofactor deficiency, complementation group C; Molybdenum cofactor deficiency C. Identifiers: Orphanet 308400, Orphanet 833, MedGen C1854990, MONDO:0014212, OMIM 615501.

Submission:

Labcorp Genetics (formerly Invitae), Labcorp
Classification: Likely pathogenic for Sulfite oxidase deficiency due to molybdenum cofactor deficiency type C. Last evaluated: 2023-08-10. Review status: criteria provided, single submitter. Criteria: Invitae Variant Classification Sherloc (09022015). Collection method: clinical testing. Allele origin: germline.
Comment: In summary, the currently available evidence indicates that the variant is pathogenic, but additional data are needed to prove that conclusively. Therefore, this variant has been classified as Likely Pathogenic. Algorithms developed to predict the effect of sequence changes on RNA splicing suggest that this variant may disrupt the consensus splice site. This variant has not been reported in the literature in individuals affected with GPHN-related conditions. This variant is not present in population databases (gnomAD no frequency). This sequence change affects a donor splice site in intron 5 of the GPHN gene. It is expected to disrupt RNA splicing. Variants that disrupt the donor or acceptor splice site typically lead to a loss of protein function (PMID: 16199547), and loss-of-function variants in GPHN are known to be pathogenic (PMID: 11095995, 23184456, 23393157, 24561070, 26613940).

Literature cited by the submitters: PubMed 16199547; PubMed 11095995; PubMed 23184456; PubMed 23393157; PubMed 24561070; PubMed 26613940.

NM_020806.5(GPHN):c.389+1G>A

Gene: GPHN (gephyrin; plus strand). Cytogenetic location: 14q23.3.
Variant type: single nucleotide variant.
Coding change: c.389+1G>A on transcript NM_020806.5 (MANE Select); the canonical splice donor site of the intron after coding-DNA position 389, G replaced by A.
Molecular consequence: splice donor variant.
Genome position (GRCh38, 1-based): chr14:66,880,034, G>A. VCF-style: chr14-66880034-G-A. GRCh37 (hg19) VCF-style: chr14-67346752-G-A.
Other names: c.428+1G>A (NM_001377514.1, NM_001377519.1); c.389+1G>A (NM_001377515.1, NM_001377516.1, NM_001377518.1 and 2 more transcripts).
Identifiers: ClinVar variation 2842549 (VCV002842549.3), dbSNP rs2549499286, ClinGen allele CA390257023.